The following is an entry in ClinVar:

GRCh38/hg38 Xq22.3(chrX:108318888-108778027)x2

Genes: COL4A5 (collagen type IV alpha 5 chain; plus strand), COL4A6 (collagen type IV alpha 6 chain; minus strand), IRS4 (insulin receptor substrate 4; minus strand), IRS4-AS1 (IRS4 antisense RNA 1; plus strand), LOC126863301 (CDK7 strongly-dependent group 2 enhancer GRCh37_chrX:107884720-107885919; plus strand). Cytogenetic location: Xq22.3.
Variant type: copy number gain.
Change: copy number 2 of chrX:108,318,888-108,778,027 (459.1 kb, GRCh38 coordinates, 1-based), cytogenetic band Xq22.3.
Identifiers: ClinVar variation 57184 (VCV000057184.1).

ClinVar aggregate classification (germline): Uncertain significance (1 of 4 stars; one submission).

Submission:

ISCA site 4
Classification: Uncertain significance. Last evaluated: 2011-08-12. Review status: criteria provided, single submitter. Criteria: Kaminsky et al. (Genet Med. 2011). Collection method: clinical testing. Allele origin: maternal. Affected: yes. Observed: 1 variant allele.
Comment: Copy number variation identified through the course of routine clinical cytogenomic testing in postnatal populations. Clinical assertions have been curated as described in Kaminsky et al. 2011.